The following is an entry in ClinVar:

ClinVar aggregate classification (germline): Benign. Review status: criteria provided, single submitter (1 of 4 stars). 2 submissions from 2 submitters: Benign (1). 1 of the submissions does not count toward it. Last evaluated 2026-02-01.

Conditions:
C2CD3-related disorder. Also called: C2CD3-related condition.

Allele frequency attached by ClinVar (database versions not stated): TOPMed 0.00011; gnomAD 0.00013; ExAC 0.00016.
gnomAD v4.1: 166 of 1,614,054 alleles (0.01%); highest among the groups gnomAD compares: Non-Finnish European, 0.0021%; 1 homozygote.

Submissions (2):

Labcorp Genetics (formerly Invitae), Labcorp
Classification: Benign. Last evaluated: 2026-02-01. Review status: criteria provided, single submitter. Criteria: Invitae Variant Classification Sherloc (09022015). Collection method: clinical testing. Allele origin: germline.

PreventionGenetics, part of Exact Sciences
Classification: Likely benign for C2CD3-related condition. Last evaluated: 2019-09-18. Review status: no assertion criteria provided. Collection method: clinical testing. Allele origin: germline. Not counted in ClinVar's aggregate classification.
Comment: This variant is classified as likely benign based on ACMG/AMP sequence variant interpretation guidelines (Richards et al. 2015 PMID: 25741868, with internal and published modifications).

NM_001286577.2(C2CD3):c.2482T>A (p.Cys828Ser)

Gene: C2CD3 (C2 domain containing 3 centriole elongation regulator; minus strand). Cytogenetic location: 11q13.4.
Variant type: single nucleotide variant.
Coding change: c.2482T>A on transcript NM_001286577.2 (MANE Select); coding-DNA position 2482, T replaced by A.
Protein change: p.Cys828Ser; replaces cysteine 828 with serine.
Molecular consequence: missense variant.
Genome position (GRCh38, 1-based): chr11:74,103,229, A>T on the plus strand (T>A on the coding strand, the complement: C2CD3 is on the minus strand). VCF-style: chr11-74103229-A-T. GRCh37 (hg19) VCF-style: chr11-73814274-A-T.
Other names: c.2482T>A (NM_015531.5); c.2482T>A, p.Cys828Ser (NM_015531.6); short protein forms C828S.
Identifiers: ClinVar variation 2174308 (VCV002174308.6), dbSNP rs201751878, ClinGen allele CA6182639.